The following is an entry in ClinVar:

ClinVar aggregate classification (germline): Uncertain significance (1 of 4 stars; one submission).

Submission:

CeGaT Center for Human Genetics Tuebingen
Classification: Uncertain significance. Last evaluated: 2026-06-01. Review status: criteria provided, single submitter. Criteria: CeGaT Center For Human Genetics Tuebingen Variant Classification Criteria Version 2. Collection method: clinical testing. Allele origin: germline. Affected: yes. Observed: 1 variant allele.
Comment: SKIC3: PM2, BP4

NM_014639.4(SKIC3):c.3610G>T (p.Ala1204Ser)

Gene: SKIC3 (SKI3 subunit of superkiller complex; minus strand). Cytogenetic location: 5q15.
Variant type: single nucleotide variant.
Coding change: c.3610G>T on transcript NM_014639.4 (MANE Select); coding-DNA position 3610, G replaced by T.
Protein change: p.Ala1204Ser; replaces alanine 1204 with serine.
Molecular consequence: missense variant.
Genome position (GRCh38, 1-based): chr5:95,497,442, C>A on the plus strand (G>T on the coding strand, the complement: SKIC3 is on the minus strand). VCF-style: chr5-95497442-C-A. GRCh37 (hg19) VCF-style: chr5-94833146-C-A.
Other names: short protein forms A1204S.
Identifiers: ClinVar variation 4875248 (VCV004875248.2).